The following is an entry in ClinVar:

NM_002977.3(SCN9A):c.-307G>T

Gene: SCN9A (sodium voltage-gated channel alpha subunit 9; minus strand). Cytogenetic location: 2q24.3.
Variant type: single nucleotide variant.
Coding change: c.-307G>T on transcript NM_002977.3; 307 bases upstream of the start codon, G replaced by T.
Genome position (GRCh38, 1-based): chr2:166,375,953, C>A on the plus strand (G>T on the coding strand, the complement: SCN9A is on the minus strand). VCF-style: chr2-166375953-C-A. GRCh37 (hg19) VCF-style: chr2-167232463-C-A.
Identifiers: ClinVar variation 332007 (VCV000332007.9), dbSNP rs1881440, ClinGen allele CA10612545.

ClinVar aggregate classification (germline): Benign. Review status: criteria provided, multiple submitters, no conflicts (2 of 4 stars). 4 submissions from 2 submitters: Benign (4). Last evaluated 2018-01-13.

Conditions:
Paroxysmal extreme pain disorder (PEXPD). Also called: SCN9A Paroxysmal Extreme Pain Disorder (SCN9A-PEPD); PAIN, SUBMANDIBULAR, OCULAR, AND RECTAL, WITH FLUSHING; RECTAL PAIN, FAMILIAL. Identifiers: Orphanet 46348, MedGen C1833661, MONDO:0008179, OMIM 167400.
Primary erythromelalgia. Also called: SCN9A Erythromelalgia (SCN9A-EM); primary erythermalgia. Identifiers: Orphanet 306577, Orphanet 90026, MedGen C0014805, MONDO:0007571, OMIM 133020.
Channelopathy-associated congenital insensitivity to pain, autosomal recessive. Also called: Insensitivity to pain, channelopathy-associated; ASYMBOLIA FOR PAIN; CONGENITAL ANALGESIA, AUTOSOMAL RECESSIVE. Identifiers: Orphanet 88642, Orphanet 970, MedGen C1855739, MONDO:0009459, OMIM 243000.

Allele frequency attached by ClinVar (database versions not stated): gnomAD exomes 0.19048; 1000 Genomes Project 30x 0.22033; gnomAD 0.23674 and 0.24356; TOPMed 0.24358; 1000 Genomes Project 0.21486.
gnomAD v4.1: 35,968 of 152,194 alleles (24%); highest among the groups gnomAD compares: African/African-American, 38%; 4,990 homozygotes.

Submissions (4):

Illumina Laboratory Services, Illumina
Classification: Benign for Paroxysmal extreme pain disorder. Last evaluated: 2018-01-13. Review status: criteria provided, single submitter. Criteria: ICSL Variant Classification Criteria 13 December 2019. Collection method: clinical testing. Allele origin: germline.
Comment: This variant was observed in the ICSL laboratory as part of a predisposition screen in an ostensibly healthy population. It had not been previously curated by ICSL or reported in the Human Gene Mutation Database (HGMD: prior to June 1st, 2018), and was therefore a candidate for classification through an automated scoring system. Utilizing variant allele frequency, disease prevalence and penetrance estimates, and inheritance mode, an automated score was calculated to assess if this variant is too frequent to cause the disease. Based on the score and internal cut-off values, a variant classified as benign is not then subjected to further curation. The score for this variant resulted in a classification of benign for this disease.

Illumina Laboratory Services, Illumina
Classification: Benign for Primary erythromelalgia. Last evaluated: 2018-01-13. Review status: criteria provided, single submitter. Criteria: ICSL Variant Classification Criteria 13 December 2019. Collection method: clinical testing. Allele origin: germline.
Comment: the same text as in the submission from Illumina Laboratory Services, Illumina above.

Illumina Laboratory Services, Illumina
Classification: Benign for Channelopathy-associated congenital insensitivity to pain, autosomal recessive. Last evaluated: 2018-01-13. Review status: criteria provided, single submitter. Criteria: ICSL Variant Classification Criteria 13 December 2019. Collection method: clinical testing. Allele origin: germline.
Comment: the same text as in the submission from Illumina Laboratory Services, Illumina above.

Breakthrough Genomics
Classification: Benign. Review status: criteria provided, single submitter. Criteria: ACMG Guidelines, 2015. Collection method: not provided. Allele origin: germline. Inheritance: Autosomal recessive inheritance. Affected: yes.